The following is an entry in ClinVar:

NM_001605.3(AARS1):c.2223G>A (p.Thr741=)

Gene: AARS1 (alanyl-tRNA synthetase 1; minus strand). Cytogenetic location: 16q22.1.
Variant type: single nucleotide variant.
Coding change: c.2223G>A on transcript NM_001605.3 (MANE Select); coding-DNA position 2223, G replaced by A.
Protein change: p.Thr741=; no amino-acid change (threonine 741 retained).
Molecular consequence: synonymous variant.
Genome position (GRCh38, 1-based): chr16:70,255,791, C>T on the plus strand (G>A on the coding strand, the complement: AARS1 is on the minus strand). VCF-style: chr16-70255791-C-T. GRCh37 (hg19) VCF-style: chr16-70289694-C-T.
Identifiers: ClinVar variation 570580 (VCV000570580.11), dbSNP rs375400530, ClinGen allele CA8140509.
Genomic context (GRCh38, chr16:70,255,791, plus strand): 5'-CTGGGCCTCGGCACCTGTGACAGCCACAATCCTCCGGATACCCTTGGCAATGGCTTCTTC[C>T]GTCACGATCACAAAAGCTCCTGCATGACTCGAGTTCCGCAGGTGCCTGAATGGCAGAACA-3'
Protein context (NP_001596.2, residues 731-751): SSHAGAFVIV[Thr741=]EEAIAKGIRR

ClinVar aggregate classification (germline): Likely benign. Review status: criteria provided, multiple submitters, no conflicts (2 of 4 stars). 3 submissions from 3 submitters: Likely benign (3). Last evaluated 2025-10-11.

Conditions:
AARS1-related disorder. Also called: AARS1-related condition.
Inborn genetic diseases. Identifiers: MedGen C0950123, MeSH D030342.
Charcot-Marie-Tooth disease type 2. Also called: Charcot-Marie-Tooth type 2. Identifiers: Orphanet 64746, MedGen C0270914, MONDO:0018993.

Allele frequency attached by ClinVar (database versions not stated): ExAC 0.00001; gnomAD exomes 0.00002; TOPMed 0.00004; gnomAD 0.00005; ESP Exome Variant Server 0.00008.
gnomAD v4.1: 84 of 1,614,088 alleles (0.0052%); highest among the groups gnomAD compares: Non-Finnish European, 0.0065%; no homozygotes.

Submissions (3):

Labcorp Genetics (formerly Invitae), Labcorp
Classification: Likely benign for Charcot-Marie-Tooth disease type 2. Last evaluated: 2025-10-11. Review status: criteria provided, single submitter. Criteria: Invitae Variant Classification Sherloc (09022015). Collection method: clinical testing. Allele origin: germline.

PreventionGenetics, part of Exact Sciences
Classification: Likely benign for AARS1-related condition. Last evaluated: 2025-07-16. Review status: criteria provided, single submitter. Criteria: ACMG Guidelines, 2015. Collection method: clinical testing. Allele origin: germline.
Comment: This variant is classified as likely benign based on ACMG/AMP sequence variant interpretation guidelines (Richards et al. 2015 PMID: 25741868, with internal and published modifications).

Ambry Genetics
Classification: Likely benign for Inborn genetic diseases. Last evaluated: 2019-07-11. Review status: criteria provided, single submitter. Criteria: Ambry Variant Classification Scheme 2023. Collection method: clinical testing. Allele origin: germline.